The following is an entry in ClinVar:

NM_001042472.3(ABHD12):c.965_967del (p.Ser322del)

Gene: ABHD12 (abhydrolase domain containing 12, lysophospholipase; minus strand). Cytogenetic location: 20p11.21.
Variant type: Deletion.
Coding change: c.965_967del on transcript NM_001042472.3 (MANE Select); coding-DNA positions 965 to 967, 3 bases deleted (CCT; older notation c.965_967delCCT).
Protein change: p.Ser322del; deletes serine 322.
Molecular consequence: inframe deletion.
Genome position (GRCh38, 1-based): chr20:25,303,612-25,303,614, AGG deleted on the plus strand (CCT on the coding strand, the reverse complement: ABHD12 is on the minus strand); deleting any 3 consecutive bases within chr20:25,303,612-25,303,616 gives the same sequence; the c. name uses the placement nearest the transcript's 3' end. VCF-style (leftmost placement, unchanged base first): chr20-25303611-CAGG-C. GRCh37 (hg19) VCF-style: chr20-25284247-CAGG-C.
Other names: c.965_967del, p.Ser322del (NM_015600.5); short protein forms S322del.
Identifiers: ClinVar variation 4884815 (VCV004884815.1).

ClinVar aggregate classification (germline): Pathogenic (0 of 4 stars; one submission).

Conditions:
PHARC syndrome. Also called: Polyneuropathy-hearing loss-ataxia-retinitis pigmentosa-cataract syndrome. Identifiers: Orphanet 171848, MedGen C2675204, MONDO:0012984, OMIM 612674.

Submission:

Hong-Tao Li Lab, Institute of Brain Science and Brain-inspired Research, Shandong First Medical University & Shandong Academy of Medical Sciences China
Classification: Pathogenic for PHARC syndrome. Review status: no assertion criteria provided. Collection method: research. Allele origin: germline. Inheritance: Autosomal recessive inheritance. Affected: yes. Observed: 1 variant allele, 1 homozygote.
Comment: Observed in affected individuals from a Pakistani neurodevelopmental-disorder research cohort of 263 individuals. Classification assigned using the ACMG/AMP framework. Population-frequency evidence: gnomAD AF 3.993e-06.